The following is an entry in ClinVar:

NM_001142800.2(EYS):c.6131_6134del (p.Asn2044fs)

Gene: EYS (EGF-like photoreceptor maintenance factor; minus strand). Cytogenetic location: 6q12.
Variant type: Microsatellite.
Coding change: c.6131_6134del on transcript NM_001142800.2 (MANE Select); coding-DNA positions 6131 to 6134, 4 bases deleted (ATAA; older notation c.6131_6134delATAA).
Protein change: p.Asn2044fs; shifts the reading frame from asparagine 2044.
Molecular consequence: frameshift variant.
Genome position (GRCh38, 1-based): chr6:64,307,027-64,307,030, TTAT deleted on the plus strand (ATAA on the coding strand, the reverse complement: EYS is on the minus strand); deleting any 4 consecutive bases within chr6:64,307,027-64,307,036 gives the same sequence; the c. name uses the placement nearest the transcript's 3' end. VCF-style (leftmost placement, unchanged base first): chr6-64307026-GTTAT-G. GRCh37 (hg19) VCF-style: chr6-65016919-GTTAT-G.
Other names: c.6131_6134del, p.Asn2044fs (NM_001292009.2); short protein forms N2044fs.
Identifiers: ClinVar variation 1213991 (VCV001213991.8), dbSNP rs2150375968, ClinGen allele CA2580617281.

ClinVar aggregate classification (germline): Pathogenic. Review status: criteria provided, multiple submitters, no conflicts (2 of 4 stars). 2 submissions from 2 submitters: Pathogenic (2). Last evaluated 2023-08-24.

Conditions:
Retinitis pigmentosa 25 (RP25). Identifiers: Orphanet 791, MedGen C1864446, MONDO:0011272, OMIM 602772.

Submissions (2):

Labcorp Genetics (formerly Invitae), Labcorp
Classification: Pathogenic. Last evaluated: 2023-08-24. Review status: criteria provided, single submitter. Criteria: Invitae Variant Classification Sherloc (09022015). Collection method: clinical testing. Allele origin: germline.
Comment: This sequence change creates a premature translational stop signal (p.Asn2044Thrfs*11) in the EYS gene. It is expected to result in an absent or disrupted protein product. Loss-of-function variants in EYS are known to be pathogenic (PMID: 18836446, 20333770). This variant is not present in population databases (gnomAD no frequency). This variant has not been reported in the literature in individuals affected with EYS-related conditions. For these reasons, this variant has been classified as Pathogenic.

DBGen Ocular Genomics
Classification: Pathogenic for Retinitis pigmentosa 25. Last evaluated: 2021-06-07. Review status: criteria provided, single submitter. Criteria: ACMG Guidelines, 2015. Collection method: clinical testing. Allele origin: germline. Affected: yes. Observed: 2 variant alleles.

Literature cited by the submitters: PubMed 18836446 (cited by Labcorp Genetics (formerly Invitae), Labcorp); PubMed 20333770 (cited by Labcorp Genetics (formerly Invitae), Labcorp).